The following is an entry in ClinVar:

NM_001128228.3(TPRN):c.871A>G (p.Thr291Ala)

Gene: TPRN (taperin; minus strand). Cytogenetic location: 9q34.3.
Variant type: single nucleotide variant.
Coding change: c.871A>G on transcript NM_001128228.3 (MANE Select); coding-DNA position 871, A replaced by G.
Protein change: p.Thr291Ala; replaces threonine 291 with alanine.
Molecular consequence: missense variant.
Genome position (GRCh38, 1-based): chr9:137,199,841, T>C on the plus strand (A>G on the coding strand, the complement: TPRN is on the minus strand). VCF-style: chr9-137199841-T-C. GRCh37 (hg19) VCF-style: chr9-140094293-T-C.
Other names: short protein forms T291A.
Identifiers: ClinVar variation 4070584 (VCV004070584.2).

ClinVar aggregate classification (germline): Uncertain significance (1 of 4 stars; one submission).

gnomAD v4.1: 20 of 1,366,712 alleles (0.0015%); highest among the groups gnomAD compares: Admixed American, 0.043%; no homozygotes.

Submission:

GeneDx
Classification: Uncertain significance. Last evaluated: 2026-03-31. Review status: criteria provided, single submitter. Criteria: GeneDx Variant Classification Process June 2021. Collection method: clinical testing. Allele origin: germline.
Comment: In silico analysis suggests that this missense variant does not alter protein structure/function; Has not been previously published as pathogenic or benign to our knowledge